The following is an entry in ClinVar:

NM_003073.5(SMARCB1):c.415T>C (p.Ser139Pro)

Gene: SMARCB1 (SWI/SNF related BAF chromatin remodeling complex subunit B1; plus strand). Cytogenetic location: 22q11.23.
Variant type: single nucleotide variant.
Coding change: c.415T>C on transcript NM_003073.5 (MANE Select); coding-DNA position 415, T replaced by C.
Protein change: p.Ser139Pro; replaces serine 139 with proline.
Molecular consequence: missense variant.
Genome position (GRCh38, 1-based): chr22:23,800,996, T>C. VCF-style: chr22-23800996-T-C. GRCh37 (hg19) VCF-style: chr22-24143183-T-C.
Other names: c.388T>C, p.Ser130Pro (NM_001007468.3, NM_001317946.2); c.415T>C, p.Ser139Pro (NM_001362877.2); short protein forms S130P, S139P.
Identifiers: ClinVar variation 2500414 (VCV002500414.4), dbSNP rs2517679495, ClinGen allele CA410934403.
Genomic context (GRCh38, chr22:23,800,996, plus strand): 5'-CTCCTCAGGGAACAGAAGGCCAAGAGGAACAGCCAGTGGGTACCCACCCTGCCCAACAGC[T>C]CCCACCACTTAGATGCCGTGCCATGCTCCACAACCATCAACAGGAACCGCATGGGCCGAG-3'
Protein context (NP_003064.2, residues 129-149): SQWVPTLPNS[Ser139Pro]HHLDAVPCST

ClinVar aggregate classification (germline): Uncertain significance. Review status: criteria provided, multiple submitters, no conflicts (2 of 4 stars). 2 submissions from 2 submitters: Uncertain significance (2). Last evaluated 2023-09-05.

Submissions (2):

Labcorp Genetics (formerly Invitae), Labcorp
Classification: Uncertain significance. Last evaluated: 2023-09-05. Review status: criteria provided, single submitter. Criteria: Invitae Variant Classification Sherloc (09022015). Collection method: clinical testing. Allele origin: germline.
Comment: This sequence change replaces serine, which is neutral and polar, with proline, which is neutral and non-polar, at codon 139 of the SMARCB1 protein (p.Ser139Pro). This variant is not present in population databases (gnomAD no frequency). This variant has not been reported in the literature in individuals affected with SMARCB1-related conditions. ClinVar contains an entry for this variant (Variation ID: 2500414). Advanced modeling of protein sequence and biophysical properties (such as structural, functional, and spatial information, amino acid conservation, physicochemical variation, residue mobility, and thermodynamic stability) performed at Invitae indicates that this missense variant is not expected to disrupt SMARCB1 protein function. In summary, the available evidence is currently insufficient to determine the role of this variant in disease. Therefore, it has been classified as a Variant of Uncertain Significance.

GeneDx
Classification: Uncertain significance. Last evaluated: 2022-10-31. Review status: criteria provided, single submitter. Criteria: GeneDx Variant Classification Process June 2021. Collection method: clinical testing. Allele origin: germline. Affected: yes.
Comment: Not observed at significant frequency in large population cohorts (gnomAD); In silico analysis supports that this missense variant has a deleterious effect on protein structure/function; Has not been previously published as pathogenic or benign to our knowledge